The following is an entry in ClinVar:

NM_001256012.3(MYH10):c.5985C>T (p.Thr1995=)

Gene: MYH10 (myosin heavy chain 10; minus strand). Cytogenetic location: 17p13.1.
Variant type: single nucleotide variant.
Coding change: c.5985C>T on transcript NM_001256012.3 (MANE Select); coding-DNA position 5985, C replaced by T.
Protein change: p.Thr1995=; no amino-acid change (threonine 1995 retained).
Molecular consequence: synonymous variant.
Genome position (GRCh38, 1-based): chr17:8,475,843, G>A on the plus strand (C>T on the coding strand, the complement: MYH10 is on the minus strand). VCF-style: chr17-8475843-G-A. GRCh37 (hg19) VCF-style: chr17-8379161-G-A.
Other names: c.5919C>T, p.Thr1973= (NM_001256095.2); c.5922C>T, p.Thr1974= (NM_001375266.1); c.5892C>T, p.Thr1964= (NM_005964.5).
Identifiers: ClinVar variation 712206 (VCV000712206.6), dbSNP rs77306726, ClinGen allele CA8376624.

ClinVar aggregate classification (germline): Benign. Review status: criteria provided, multiple submitters, no conflicts (2 of 4 stars). 3 submissions from 3 submitters: Benign (2). 1 of the submissions does not count toward it. Last evaluated 2018-11-15.

Conditions:
MYH10-related disorder. Also called: MYH10-related condition.

Allele frequency attached by ClinVar (database versions not stated): gnomAD exomes 0.00020 and 0.00060; ExAC 0.00079; 1000 Genomes Project 0.00220; ESP Exome Variant Server 0.00223; gnomAD 0.00230 and 0.00241; 1000 Genomes Project 30x 0.00234; TOPMed 0.00247.
gnomAD v4.1: 658 of 1,614,180 alleles (0.041%); highest among the groups gnomAD compares: African/African-American, 0.78%; 4 homozygotes.

Submissions (3):

Labcorp Genetics (formerly Invitae), Labcorp
Classification: Benign. Last evaluated: 2018-11-15. Review status: criteria provided, single submitter. Criteria: Invitae Variant Classification Sherloc (09022015). Collection method: clinical testing. Allele origin: germline.

Breakthrough Genomics
Classification: Benign. Review status: criteria provided, single submitter. Criteria: ACMG Guidelines, 2015. Collection method: not provided. Allele origin: germline. Inheritance: Unknown mechanism. Affected: yes.

PreventionGenetics, part of Exact Sciences
Classification: Likely benign for MYH10-related condition. Last evaluated: 2019-02-18. Review status: no assertion criteria provided. Collection method: clinical testing. Allele origin: germline. Not counted in ClinVar's aggregate classification.
Comment: This variant is classified as likely benign based on ACMG/AMP sequence variant interpretation guidelines (Richards et al. 2015 PMID: 25741868, with internal and published modifications).